The following is an entry in ClinVar:

ClinVar aggregate classification (germline): Conflicting classifications of pathogenicity. Review status: criteria provided, conflicting classifications (1 of 4 stars). 4 submissions from 4 submitters: Uncertain significance (1); Likely benign (2). 1 of the submissions does not count toward it. Last evaluated 2025-01-12.

Conditions:
Hereditary cancer-predisposing syndrome. Also called: Tumor predisposition; Neoplastic Syndromes, Hereditary; Hereditary Cancer Syndrome; Hereditary neoplastic syndrome. Identifiers: Orphanet 140162, MedGen C0027672, MeSH D009386, MONDO:0015356.
Hereditary breast ovarian cancer syndrome. Also called: Hereditary breast and ovarian cancer syndrome (HBOC); Hereditary breast and ovarian cancer syndrome; Hereditary breast and ovarian cancer; Hereditary breast and/or ovarian cancer syndrome; Breast and ovarian cancer; BRCA1- and BRCA2-Associated Hereditary Breast and Ovarian Cancer. Identifiers: Orphanet 145, MedGen C0677776, MeSH D061325, MONDO:0003582. Disease mechanism: loss of function.
Breast-ovarian cancer, familial, susceptibility to, 1 (BROVCA1). Also called: OVARIAN CANCER, SUSCEPTIBILITY TO; BRCA1 Hereditary Breast and Ovarian Cancer. Identifiers: Orphanet 145, MedGen C2676676, MONDO:0011450, OMIM 604370. Disease mechanism: loss of function.

Allele frequency attached by ClinVar (database versions not stated): gnomAD exomes below 0.00001; TOPMed 0.00001.
gnomAD v4.1: 1 of 1,614,204 alleles (0.000062%); highest among the groups gnomAD compares: African/African-American, 0.0013%; no homozygotes.

Submissions (4):

Labcorp Genetics (formerly Invitae), Labcorp
Classification: Uncertain significance for Hereditary breast ovarian cancer syndrome. Last evaluated: 2025-01-12. Review status: criteria provided, single submitter. Criteria: Invitae Variant Classification Sherloc (09022015). Collection method: clinical testing. Allele origin: germline.
Comment: This sequence change replaces asparagine, which is neutral and polar, with serine, which is neutral and polar, at codon 319 of the BRCA1 protein (p.Asn319Ser). This variant is present in population databases (rs397507258, gnomAD 0.007%). This missense change has been observed in individual(s) with breast cancer or pancreatic ductal adenocarcinoma (PMID: 28439188, 32918181). ClinVar contains an entry for this variant (Variation ID: 37711). Invitae Evidence Modeling of protein sequence and biophysical properties (such as structural, functional, and spatial information, amino acid conservation, physicochemical variation, residue mobility, and thermodynamic stability) indicates that this missense variant is not expected to disrupt BRCA1 protein function with a negative predictive value of 80%. In summary, the available evidence is currently insufficient to determine the role of this variant in disease. Therefore, it has been classified as a Variant of Uncertain Significance.

University of Washington Department of Laboratory Medicine, University of Washington
Classification: Likely benign for Hereditary cancer-predisposing syndrome. Last evaluated: 2023-03-23. Review status: criteria provided, single submitter. Criteria: Dines et al. (Genet Med. 2020). Collection method: curation. Allele origin: germline.
Comment: Missense variant in a coldspot region where missense variants are very unlikely to be pathogenic (PMID:31911673).

BRCA1 coldspot (exon 11 using historical exon numbering). Reclassification based on statistical prior probability

Ambry Genetics
Classification: Likely benign for Hereditary cancer-predisposing syndrome. Last evaluated: 2019-03-20. Review status: criteria provided, single submitter. Criteria: Ambry Variant Classification Scheme 2023. Collection method: clinical testing. Allele origin: germline.

Sharing Clinical Reports Project (SCRP)
Classification: Uncertain significance for Breast-ovarian cancer, familial 1. Last evaluated: 2011-05-06. Review status: no assertion criteria provided. Collection method: clinical testing. Allele origin: germline. Not counted in ClinVar's aggregate classification.

Literature cited by the submitters: PubMed 28439188 (cited by Labcorp Genetics (formerly Invitae), Labcorp and Ambry Genetics); PubMed 32918181 (cited by Labcorp Genetics (formerly Invitae), Labcorp); PubMed 11929857 (cited by Ambry Genetics); PubMed 20104584 (cited by Ambry Genetics).

NM_007294.4(BRCA1):c.956A>G (p.Asn319Ser)

Gene: BRCA1 (BRCA1 DNA repair associated; minus strand). Cytogenetic location: 17q21.31.
Variant type: single nucleotide variant.
Coding change: c.956A>G on transcript NM_007294.4 (MANE Select); coding-DNA position 956, A replaced by G.
Protein change: p.Asn319Ser; replaces asparagine 319 with serine.
Molecular consequence: missense variant. On other transcripts: intron variant (137).
Genome position (GRCh38, 1-based): chr17:43,094,575, T>C on the plus strand (A>G on the coding strand, the complement: BRCA1 is on the minus strand). VCF-style: chr17-43094575-T-C. GRCh37 (hg19) VCF-style: chr17-41246592-T-C.
Other names: 1075A>G; c.815A>G, p.Asn272Ser (NM_001407851.1, NM_001407852.1, NM_001407942.1 and 29 more transcripts); c.743A>G, p.Asn248Ser (NM_001407853.1, NM_001407894.1, NM_001407895.1 and 9 more transcripts); c.956A>G, p.Asn319Ser (NM_001407854.1, NM_001407858.1, NM_001407859.1 and 30 more transcripts); c.953A>G, p.Asn318Ser (NM_001407860.1, NM_001407861.1, NM_001407587.1 and 22 more transcripts); c.755A>G, p.Asn252Ser (NM_001407862.1); c.833A>G, p.Asn278Ser (NM_001407863.1, NM_001407919.1, NM_001407937.1 and 19 more transcripts); c.752A>G, p.Asn251Ser (NM_001407874.1, NM_001407875.1); and 41 more; short protein forms N319S, N272S, N207S, N248S, N277S, N191S, N208S, N230S.
Identifiers: ClinVar variation 37711 (VCV000037711.16), dbSNP rs397507258, ClinGen allele CA003983.